The following is an entry in ClinVar:

ClinVar aggregate classification (germline): Conflicting classifications of pathogenicity. Review status: criteria provided, conflicting classifications (1 of 4 stars). 4 submissions from 4 submitters: Likely pathogenic (2); Uncertain significance (2). Last evaluated 2025-08-29.

Conditions:
Intellectual developmental disorder, autosomal dominant 6, with or without seizures. Also called: Intellectual disability, autosomal dominant 6; GRIN2B-related developmental delay, intellectual disability and autism spectrum disorder. Identifiers: Orphanet 589547, MedGen C3151411, MONDO:0013509, OMIM 613970.
Developmental and epileptic encephalopathy, 27 (DEE27). Also called: Epileptic encephalopathy, early infantile, 27; GRIN2B-Related Neurodevelopmental Disorder. Identifiers: Orphanet 3451, MedGen C4015316, MONDO:0014505, OMIM 616139.

Submissions (4):

MVZ Medizinische Genetik Mainz
Classification: Uncertain significance for Intellectual developmental disorder, autosomal dominant 6, with or without seizures. Last evaluated: 2025-08-29. Review status: criteria provided, single submitter. Criteria: UK Practice Guidelines For Variant Classification V4 01 2020. Collection method: clinical testing. Allele origin: germline. Inheritance: Autosomal dominant inheritance. Affected: yes. Observed: 1 variant allele.
Comment: ACMG Criteria: PS4_MOD,PM2_SUP,PM6_SUP,PP2

Genetics and Molecular Pathology, SA Pathology
Classification: Likely pathogenic for Intellectual developmental disorder, autosomal dominant 6, with or without seizures. Last evaluated: 2023-06-29. Review status: criteria provided, single submitter. Criteria: ACMG Guidelines, 2015. Collection method: clinical testing. Allele origin: germline. Inheritance: Autosomal dominant inheritance. Affected: yes.
Comment: The GRIN2B c.448A>G variant is classified as LIKELY PATHOGENIC (PS4_Supporting, PS2, PM2) The GRIN2B c.448A>G variant is a single nucleotide change in exon 4/14 of the GRIN2B gene, which is predicted to change the amino acid isoleucine at position 150 in the protein to valine. This variant is absent from population databases (PM2). The variant has been reported in dbSNP (rs796052570) and in the HGMD database: CM1618931. It has been reported as likely pathogenic by other diagnostic laboratories (ClinVar Variation ID: 205709).

Labcorp Genetics (formerly Invitae), Labcorp
Classification: Uncertain significance for Developmental and epileptic encephalopathy, 27; Intellectual developmental disorder, autosomal dominant 6, with or without seizures. Last evaluated: 2021-07-30. Review status: criteria provided, single submitter. Criteria: Invitae Variant Classification Sherloc (09022015). Collection method: clinical testing. Allele origin: germline.
Comment: This sequence change replaces isoleucine with valine at codon 150 of the GRIN2B protein (p.Ile150Val). The isoleucine residue is highly conserved and there is a small physicochemical difference between isoleucine and valine. In summary, the available evidence is currently insufficient to determine the role of this variant in disease. Therefore, it has been classified as a Variant of Uncertain Significance. Algorithms developed to predict the effect of sequence changes on RNA splicing suggest that this variant may create or strengthen a splice site. Advanced modeling of protein sequence and biophysical properties (such as structural, functional, and spatial information, amino acid conservation, physicochemical variation, residue mobility, and thermodynamic stability) performed at Invitae indicates that this missense variant is not expected to disrupt GRIN2B protein function. ClinVar contains an entry for this variant (Variation ID: 205709). This missense change has been observed in individual(s) with clinical features of GRIN2B-related conditions (PMID: 26633542, 28377535). This variant is not present in population databases (ExAC no frequency).

Institute of Human Genetics, University of Leipzig Medical Center
Classification: Likely pathogenic for Intellectual developmental disorder, autosomal dominant 6, with or without seizures. Last evaluated: 2017-04-04. Review status: criteria provided, single submitter. Criteria: ACMG Guidelines, 2015. Collection method: clinical testing. Allele origin: de novo. Affected: yes.
Comment: This variant was identified as de novo (maternity and paternity confirmed).

Literature cited by the submitters: PubMed 26633542 (cited by Genetics and Molecular Pathology, SA Pathology and Labcorp Genetics (formerly Invitae), Labcorp); PubMed 28377535 (cited by 3 submitters).

NM_000834.5(GRIN2B):c.448A>G (p.Ile150Val)

Gene: GRIN2B (glutamate ionotropic receptor NMDA type subunit 2B; minus strand). Cytogenetic location: 12p13.1.
Variant type: single nucleotide variant.
Coding change: c.448A>G on transcript NM_000834.5 (MANE Select); coding-DNA position 448, A replaced by G.
Protein change: p.Ile150Val; replaces isoleucine 150 with valine.
Molecular consequence: missense variant.
Genome position (GRCh38, 1-based): chr12:13,753,879, T>C on the plus strand (A>G on the coding strand, the complement: GRIN2B is on the minus strand). VCF-style: chr12-13753879-T-C. GRCh37 (hg19) VCF-style: chr12-13906813-T-C.
Other names: short protein forms I150V.
Identifiers: ClinVar variation 205709 (VCV000205709.8), dbSNP rs796052570, ClinGen allele CA315046.
Genomic context (GRCh38, chr12:13,753,879, plus strand): 5'-AAAAGATGTACCAGTCATATTCTTCCATGATGTTGAGCATTACGGAAGCTTGCTGTTCAA[T>C]TGATGGGCCAAACTGGAAGAACATGGAGGATTCATCCTAGAAAAAGAACAGGACAAAAAA-3'
Protein context (NP_000825.2, residues 140-160): SSMFFQFGPS[Ile150Val]EQQASVMLNI